The following is an entry in ClinVar:

ClinVar aggregate classification (germline): Uncertain significance (1 of 4 stars; one submission).

Submission:

GeneDx
Classification: Uncertain significance. Last evaluated: 2026-10-01. Review status: criteria provided, single submitter. Criteria: GeneDx Variant Classification Process June 2021. Collection method: clinical testing. Allele origin: germline.
Comment: In silico analysis suggests that this missense variant does not alter protein structure/function; Has not been previously published as pathogenic or benign to our knowledge

NM_201599.3(ZMYM3):c.749A>G (p.Lys250Arg)

Gene: ZMYM3 (zinc finger MYM-type containing 3; minus strand). Cytogenetic location: Xq13.1.
Variant type: single nucleotide variant.
Coding change: c.749A>G on transcript NM_201599.3 (MANE Select); coding-DNA position 749, A replaced by G.
Protein change: p.Lys250Arg; replaces lysine 250 with arginine.
Molecular consequence: missense variant.
Genome position (GRCh38, 1-based): chrX:71,251,207, T>C on the plus strand (A>G on the coding strand, the complement: ZMYM3 is on the minus strand). VCF-style: chrX-71251207-T-C. GRCh37 (hg19) VCF-style: chrX-70471057-T-C.
Other names: c.749A>G, p.Lys250Arg (NM_001171162.1, NM_001171163.1, NM_005096.3); short protein forms K250R.
Identifiers: ClinVar variation 3381565 (VCV003381565.2).